The following is an entry in ClinVar:

ClinVar aggregate classification (germline): Conflicting classifications of pathogenicity. Review status: criteria provided, conflicting classifications (1 of 4 stars). 5 submissions from 5 submitters: Likely pathogenic (3); Uncertain significance (2). Last evaluated 2026-05-08.

Conditions:
Retinitis pigmentosa (RP). Identifiers: Orphanet 791, MedGen C0035334, MeSH D012174, MONDO:0019200, OMIM 268000. Inheritance: Autosomal dominant, autosomal recessive and X linked inheritance.
Retinitis pigmentosa 25 (RP25). Identifiers: Orphanet 791, MedGen C1864446, MONDO:0011272, OMIM 602772.

Allele frequency attached by ClinVar (database versions not stated): gnomAD 0.00001; gnomAD exomes 0.00001.
gnomAD v4.1: 19 of 1,549,380 alleles (0.0012%); highest among the groups gnomAD compares: South Asian, 0.021%; 1 homozygote.

Submissions (5):

Myriad Genetics, Inc.
Classification: Uncertain significance for Retinitis pigmentosa 25. Last evaluated: 2026-05-08. Review status: criteria provided, single submitter. Criteria: Myriad Autosomal Dominant, Autosomal Recessive and X-Linked Classification Criteria (2023). Collection method: clinical testing. Allele origin: unknown.
Comment: NM_001142800.1(EYS):c.7187G>C(C2396S) is a missense variant classified as a variant of uncertain significance in the context of retinitis pigmentosa, EYS-related. C2396S has been observed in cases with relevant disease (PMID: 28418496, 26787102, 38219857). Relevant functional assessments of this variant are not available in the literature. C2396S has been observed in referenced population frequency databases. In summary, there is insufficient evidence to classify NM_001142800.1(EYS):c.7187G>C(C2396S) as pathogenic or benign. Please note: this variant was assessed in the context of healthy population screening.

Natera, Inc.
Classification: Likely pathogenic for Retinitis pigmentosa type 25. Last evaluated: 2024-07-08. Review status: criteria provided, single submitter. Criteria: Natera Variant Classification Schema (03/2026). Collection method: clinical testing. Allele origin: germline.
Comment: The c.7187G>C variant in EYS is a missense variant predicted to cause substitution of cysteine to serine at amino acid 2396. This variant is rare in the general population with a frequency below the threshold expected for the associated phenotype(s). This variant has been observed in one or more individuals affected with the associated recessive disease, as either homozygous or compound heterozygous with a second variant (PMID: 26787102, 28418496). Additionally, this variant has been observed to segregate in affected family members (PMID: 28418496). Computational prediction algorithms indicate this variant is likely to affect gene or protein function. Given the available evidence, this variant is classified as Likely Pathogenic.

Fulgent Genetics
Classification: Likely pathogenic for Retinitis pigmentosa 25. Last evaluated: 2024-03-19. Review status: criteria provided, single submitter. Criteria: ACMG Guidelines, 2015. Collection method: clinical testing. Allele origin: germline.

Women's Health and Genetics/Laboratory Corporation of America, LabCorp
Classification: Likely pathogenic for Retinitis pigmentosa. Last evaluated: 2024-03-14. Review status: criteria provided, single submitter. Criteria: LabCorp Variant Classification Summary - May 2015. Collection method: clinical testing. Allele origin: germline.
Comment: Variant summary: EYS c.7187G>C (p.Cys2396Ser) results in a non-conservative amino acid change located in one of the EGF-like repeat domains (IPR000742), affecting a disulfide bond (between amino acids 2380-2396; UniProt) of the encoded protein sequence. Four of four in-silico tools predict a damaging effect of the variant on protein function. The variant allele was found at a frequency of 1.2e-05 in 1542464 control chromosomes, predominantly at a frequency of 0.00021 within the South Asian subpopulation in the gnomAD database, including 1 homozygote. This frequency is not higher than the estimated maximum expected for a pathogenic variant in EYS causing Retinitis Pigmentosa (0.0034). On the other hand, the variant c.7187G>C has been reported in the literature in at least 3 homozygous individuals affected with Retinitis Pigmentosa (Di_2016, Li_2017), and in one study a progressive disease course was noted for the variant, which was found in a mother and son (Li_2017). A recent study identified several individuals in gnomAD who are homozygous for variants causing autosomal recessive (AR) inherited retinal diseases (IRDs), predicting that the gnomAD database includes individuals or a cohort of individuals affected by IRDs (Hanany_2020). These data indicate that the variant is likely to be associated with disease. To our knowledge, no experimental evidence demonstrating an impact on protein function has been reported. The following publications have been ascertained in the context of this evaluation (PMID: 26787102, 28418496, 31964843). ClinVar contains an entry for this variant (Variation ID: 1806557). Based on the evidence outlined above, the variant was classified as likely pathogenic.

GeneDx
Classification: Uncertain significance. Last evaluated: 2022-06-22. Review status: criteria provided, single submitter. Criteria: GeneDx Variant Classification Process June 2021. Collection method: clinical testing. Allele origin: germline. Affected: yes.
Comment: In silico analysis supports that this missense variant has a deleterious effect on protein structure/function; This variant is associated with the following publications: (PMID: 26787102)

Literature cited by the submitters: PubMed 26787102 (cited by 3 submitters); PubMed 28418496 (cited by 3 submitters); PubMed 38219857 (cited by Myriad Genetics, Inc.); PubMed 31964843 (cited by Women's Health and Genetics/Laboratory Corporation of America, LabCorp).

NM_001142800.2(EYS):c.7187G>C (p.Cys2396Ser)

Gene: EYS (EGF-like photoreceptor maintenance factor; minus strand). Cytogenetic location: 6q12.
Variant type: single nucleotide variant.
Coding change: c.7187G>C on transcript NM_001142800.2 (MANE Select); coding-DNA position 7187, G replaced by C.
Protein change: p.Cys2396Ser; replaces cysteine 2396 with serine.
Molecular consequence: missense variant.
Genome position (GRCh38, 1-based): chr6:63,864,227, C>G on the plus strand (G>C on the coding strand, the complement: EYS is on the minus strand). VCF-style: chr6-63864227-C-G. GRCh37 (hg19) VCF-style: chr6-64574120-C-G.
Other names: c.7187G>C, p.Cys2396Ser (NM_001292009.2); short protein forms C2396S.
Identifiers: ClinVar variation 1806557 (VCV001806557.6), dbSNP rs1395608434, ClinGen allele CA364386321.